The following is an entry in ClinVar:

NM_017777.4(MKS1):c.870G>A (p.Arg290=)

Gene: MKS1 (MKS transition zone complex subunit 1; minus strand). Cytogenetic location: 17q22.
Variant type: single nucleotide variant.
Coding change: c.870G>A on transcript NM_017777.4 (MANE Select); coding-DNA position 870, G replaced by A.
Protein change: p.Arg290=; no amino-acid change (arginine 290 retained).
Molecular consequence: synonymous variant.
Genome position (GRCh38, 1-based): chr17:58,212,423, C>T on the plus strand (G>A on the coding strand, the complement: MKS1 is on the minus strand). VCF-style: chr17-58212423-C-T. GRCh37 (hg19) VCF-style: chr17-56289784-C-T.
Other names: c.261G>A, p.Arg87= (NM_001321268.2); c.870G>A, p.Arg290= (NM_001321269.2, NM_001330397.2).
Identifiers: ClinVar variation 770833 (VCV000770833.12), dbSNP rs769489826, ClinGen allele CA501031320.

ClinVar aggregate classification (germline): Likely benign. Review status: criteria provided, single submitter (1 of 4 stars). 2 submissions from 2 submitters: Likely benign (1). 1 of the submissions does not count toward it. Last evaluated 2024-04-16.

Conditions:
MKS1-related disorder. Also called: MKS1-related disorders; MKS1-related condition. Identifiers: MedGen CN239382.
Joubert syndrome. Also called: Familial aplasia of the vermis; JOUBERT-BOLTSHAUSER SYNDROME. Identifiers: Orphanet 475, MedGen C5979921, MONDO:0018772.
Meckel-Gruber syndrome. Also called: Dysencephalia splachnocystica; DYSENCEPHALIA SPLANCHNOCYSTICA; GRUBER SYNDROME. Identifiers: Orphanet 564, MedGen C0265215, MONDO:0018921.

Allele frequency attached by ClinVar (database versions not stated): gnomAD exomes 0.00001.
gnomAD v4.1: 3 of 1,614,130 alleles (0.00019%); highest among the groups gnomAD compares: Admixed American, 0.0033%; no homozygotes.

Submissions (2):

Labcorp Genetics (formerly Invitae), Labcorp
Classification: Likely benign for Joubert syndrome; Meckel-Gruber syndrome. Last evaluated: 2024-04-16. Review status: criteria provided, single submitter. Criteria: Invitae Variant Classification Sherloc (09022015). Collection method: clinical testing. Allele origin: germline.

PreventionGenetics, part of Exact Sciences
Classification: Likely benign for MKS1-related condition. Last evaluated: 2020-10-12. Review status: no assertion criteria provided. Collection method: clinical testing. Allele origin: germline. Not counted in ClinVar's aggregate classification.
Comment: This variant is classified as likely benign based on ACMG/AMP sequence variant interpretation guidelines (Richards et al. 2015 PMID: 25741868, with internal and published modifications).